The following is an entry in ClinVar:

NC_000001.11:g.230702585G>T

Gene: AGT (angiotensinogen; minus strand). Cytogenetic location: 1q42.2.
Variant type: single nucleotide variant.
Genome position: GRCh38 VCF-style: chr1-230702585-G-T. GRCh37 (hg19) VCF-style: chr1-230838331-G-T.
Other names: NM_000029.3:c.*556C>A.
Identifiers: ClinVar variation 296063 (VCV000296063.6), dbSNP rs7079, ClinGen allele CA10609419.

ClinVar aggregate classification (germline): Benign. Review status: criteria provided, multiple submitters, no conflicts (2 of 4 stars). 2 submissions from 2 submitters: Benign (2). Last evaluated 2018-01-13.

Conditions:
Renal tubular dysgenesis. Also called: Renotubular dysgenesis. Identifiers: Orphanet 3033, MedGen C0266313, MONDO:0017609, HP:0008660.

Allele frequency attached by ClinVar (database versions not stated): 1000 Genomes Project 30x 0.19035; 1000 Genomes Project 0.19050; TOPMed 0.23002; gnomAD 0.24948 and 0.25042; gnomAD exomes 0.25943.
gnomAD v4.1: 39,528 of 157,228 alleles (25%); highest among the groups gnomAD compares: Middle Eastern, 36%; 5,858 homozygotes.

Submissions (2):

Illumina Laboratory Services, Illumina
Classification: Benign for Renal tubular dysgenesis of genetic origin. Last evaluated: 2018-01-13. Review status: criteria provided, single submitter. Criteria: ICSL Variant Classification Criteria 13 December 2019. Collection method: clinical testing. Allele origin: germline.
Comment: This variant was observed in the ICSL laboratory as part of a predisposition screen in an ostensibly healthy population. It had not been previously curated by ICSL or reported in the Human Gene Mutation Database (HGMD: prior to June 1st, 2018), and was therefore a candidate for classification through an automated scoring system. Utilizing variant allele frequency, disease prevalence and penetrance estimates, and inheritance mode, an automated score was calculated to assess if this variant is too frequent to cause the disease. Based on the score and internal cut-off values, a variant classified as benign is not then subjected to further curation. The score for this variant resulted in a classification of benign for this disease.

Breakthrough Genomics
Classification: Benign. Review status: criteria provided, single submitter. Criteria: ACMG Guidelines, 2015. Collection method: not provided. Allele origin: germline. Inheritance: Multifactorial inheritance. Affected: yes.